The following is an entry in ClinVar:

GRCh37/hg19 13q22.2-31.3(chr13:76942604-90660121)x1

Genes: ACOD1 (aconitate decarboxylase 1; plus strand), CLN5 (CLN5 intracellular trafficking protein; plus strand), EDNRB (endothelin receptor type B; minus strand), FBXL3 (F-box and leucine rich repeat protein 3; minus strand), KCTD12 (potassium channel tetramerization domain containing 12; minus strand) and 12 more. Cytogenetic location: 13q22.2-31.3.
Variant type: copy number loss.
Change: copy number 1 (one copy instead of two) of chr13:76,942,604-90,660,121 (13.72 Mb, GRCh37 coordinates, 1-based), cytogenetic band 13q22.2-31.3.
Identifiers: ClinVar variation 564079 (VCV000564079.2).

ClinVar aggregate classification (germline): Pathogenic (1 of 4 stars; one submission).

Submission:

Quest Diagnostics Nichols Institute San Juan Capistrano
Classification: Pathogenic. Last evaluated: 2022-03-16. Review status: criteria provided, single submitter. Criteria: ACMG/ClinGen CNV Guidelines, 2019. Collection method: clinical testing. Allele origin: unknown.
Comment: This interstitial deletion is expected to cause phenotypic and/or developmental abnormalities. Individuals with interstitial 13q deletions may present with a wide spectrum of features which may include intellectual disability, developmental delay, learning disabilities, hypotonia, growth delay, craniofacial dysmorphisms, structural brain anomalies, heart defects, and hearing loss. Also, heterozygous or homozygous pathogenic variants in EDNRB (OMIM 131244) can cause Waardenburg syndrome type 4A , the clinical features of which may include pigmentary abnormalities of the hair, skin, and eyes, congenital sensorineural hearing loss, and Hirschsprung disease. Some individuals with deletions encompassing the 13q22.2 region and involve EDNRB have some features of Waardenburg syndrome, but not the full Waardenburg phenotype. In addition, there are several genes within the deleted region that have been associated with clinical disorders in OMIM: CLN5 (OMIM 608102): autosomal recessive neuronal ceroid lipofuscinosis-5; SLITRK6 (OMIM 609681): autosomal recessive deafness and myopia; FBXL3 (OMIM 605653): autosomal dominant intellectual developmental disorder with short stature, facial anomalies, and speech defects; POU4F1 (OMIM 601632): autosomal dominant childhood-onset ataxia, intention tremor, and hypotonia syndrome. References and resources: Kirchhoff et al. Am J Med Genet A. 2009;149A(5):894-905. PMID:19363806. Huang et al. Gene. 2012;498(2):308-10. PMID: 22366306. Quelin et al. Eur J Med Genet. 2009;52:41-46. PMID: 19022413. Tuysuz et al. Am J Med Genet A. 2009;149A(10):2290-5. PMID: 19764031. Unique Leaflet on 13q distal interstitial deletions